The following is an entry in ClinVar:

ClinVar aggregate classification (germline): Pathogenic (1 of 4 stars; one submission).

Conditions:
Oligodontia-cancer predisposition syndrome. Also called: TOOTH AGENESIS-COLORECTAL CANCER SYNDROME. Identifiers: Orphanet 300576, MedGen C1837750, MONDO:0012075, OMIM 608615. Disease mechanism: loss of function.

Submission:

Labcorp Genetics (formerly Invitae), Labcorp
Classification: Pathogenic for Oligodontia-cancer predisposition syndrome. Last evaluated: 2022-04-08. Review status: criteria provided, single submitter. Criteria: Invitae Variant Classification Sherloc (09022015). Collection method: clinical testing. Allele origin: germline.
Comment: For these reasons, this variant has been classified as Pathogenic. This variant has not been reported in the literature in individuals affected with AXIN2-related conditions. This variant is not present in population databases (gnomAD no frequency). This sequence change creates a premature translational stop signal (p.Tyr768Serfs*16) in the AXIN2 gene. It is expected to result in an absent or disrupted protein product. Loss-of-function variants in AXIN2 are known to be pathogenic (PMID: 15042511, 21416598).

Literature cited by the submitters: PubMed 15042511; PubMed 21416598.

NM_004655.4(AXIN2):c.2298_2302dup (p.Tyr768fs)

Gene: AXIN2 (axin 2; minus strand). Cytogenetic location: 17q24.1.
Variant type: Duplication.
Coding change: c.2298_2302dup on transcript NM_004655.4 (MANE Select); coding-DNA positions 2298 to 2302, 5 bases duplicated (CACTT; older notation c.2298_2302dupCACTT).
Protein change: p.Tyr768fs; shifts the reading frame from tyrosine 768.
Molecular consequence: frameshift variant.
Genome position (GRCh38, 1-based): chr17:65,534,015-65,534,019, AAGTG duplicated on the plus strand (CACTT on the coding strand, the reverse complement: AXIN2 is on the minus strand); duplicating any 5 consecutive bases within chr17:65,534,015-65,534,020 gives the same sequence; the c. name uses the placement nearest the transcript's 3' end. VCF-style (leftmost placement, unchanged base first): chr17-65534014-T-TAAGTG. GRCh37 (hg19) VCF-style: chr17-63530132-T-TAAGTG.
Other names: c.2103_2107dup, p.Tyr703fs (NM_001363813.1); short protein forms Y703fs, Y768fs.
Identifiers: ClinVar variation 2094849 (VCV002094849.4), dbSNP rs2509389582, ClinGen allele CA2580094694.